The following is an entry in ClinVar:

ClinVar aggregate classification (germline): Uncertain significance (1 of 4 stars; one submission).

Conditions:
Duchenne muscular dystrophy (DMD). Also called: MUSCULAR DYSTROPHY, PSEUDOHYPERTROPHIC PROGRESSIVE, DUCHENNE TYPE; Duchenne Muscular Dystrophy (DMD). Identifiers: Orphanet 98896, MedGen C0013264, MONDO:0010679, OMIM 310200.

Submission:

Labcorp Genetics (formerly Invitae), Labcorp
Classification: Uncertain significance for Duchenne muscular dystrophy. Last evaluated: 2025-07-03. Review status: criteria provided, single submitter. Criteria: Invitae Variant Classification Sherloc (09022015). Collection method: clinical testing. Allele origin: germline.
Comment: This sequence change falls in intron 52 of the DMD gene. It does not directly change the encoded amino acid sequence of the DMD protein. The frequency data for this variant in the population databases is considered unreliable, as metrics indicate insufficient coverage at this position in the gnomAD database. This variant has not been reported in the literature in individuals affected with DMD-related conditions. ClinVar contains an entry for this variant (Variation ID: 1916179). Experimental studies and prediction algorithms are not available or were not evaluated, and the effect of this variant on mRNA splicing is currently unknown. In summary, the available evidence is currently insufficient to determine the role of this variant in disease. Therefore, it has been classified as a Variant of Uncertain Significance.

NM_004006.3(DMD):c.7660+2262_7660+2263inv

Gene: DMD (dystrophin; minus strand). Cytogenetic location: Xp21.1.
Variant type: Inversion.
Coding change: c.7660+2262_7660+2263inv on transcript NM_004006.3 (MANE Select).
Molecular consequence: intron variant.
Genome position: GRCh38 VCF-style: chrX-31727368-TG-CA. GRCh37 (hg19) VCF-style: chrX-31745485-TG-CA.
Other names: c.7636+2262_7636+2263inv (NM_000109.4); c.3637+2262_3637+2263inv (NM_004011.4); c.3628+2262_3628+2263inv (NM_004012.4); c.280+2262_280+2263inv (NM_004023.3, NM_004020.4, NM_004022.3 and 2 more transcripts); c.7648+2262_7648+2263inv (NM_004009.3); c.7291+2262_7291+2263inv (NM_004010.3).
Identifiers: ClinVar variation 1916179 (VCV001916179.5), ClinGen allele CA2580100589.